The following is an entry in ClinVar:

ClinVar aggregate classification (germline): Uncertain significance. Review status: criteria provided, single submitter (1 of 4 stars). 2 submissions from 2 submitters: Uncertain significance (1). 1 of the submissions does not count toward it. Last evaluated 2024-11-24.

Conditions:
Familial long QT syndrome (RWS). Also called: Congenital long QT syndrome; Romano-Ward syndrome; VENTRICULAR FIBRILLATION WITH PROLONGED QT INTERVAL. Identifiers: Orphanet 768, MedGen C1141890, MONDO:0019171.
Long QT syndrome (LQTS). Identifiers: MedGen C0023976, MeSH D008133, MONDO:0002442. Disease mechanism: loss of function. Inheritance: Various modes of inheritance.

Allele frequency attached by ClinVar (database versions not stated): gnomAD exomes 0.00003 and 0.00002; TOPMed 0.00003; gnomAD 0.00002; ExAC 0.00003; ESP Exome Variant Server 0.00008.
gnomAD v4.1: 46 of 1,613,626 alleles (0.0029%); highest among the groups gnomAD compares: East Asian, 0.0045%; no homozygotes.

Submissions (2):

Labcorp Genetics (formerly Invitae), Labcorp
Classification: Uncertain significance for Long QT syndrome. Last evaluated: 2024-11-24. Review status: criteria provided, single submitter. Criteria: Invitae Variant Classification Sherloc (09022015). Collection method: clinical testing. Allele origin: germline.
Comment: This sequence change replaces valine, which is neutral and non-polar, with isoleucine, which is neutral and non-polar, at codon 3634 of the ANK2 protein (p.Val3634Ile). This variant is present in population databases (rs143228029, gnomAD 0.005%). This missense change has been observed in individual(s) with long QT syndrome (PMID: 16253912). This variant is also known as p.Val1516Ile. ClinVar contains an entry for this variant (Variation ID: 67598). Invitae Evidence Modeling of protein sequence and biophysical properties (such as structural, functional, and spatial information, amino acid conservation, physicochemical variation, residue mobility, and thermodynamic stability) indicates that this missense variant is not expected to disrupt ANK2 protein function with a negative predictive value of 80%. In summary, the available evidence is currently insufficient to determine the role of this variant in disease. Therefore, it has been classified as a Variant of Uncertain Significance.

Cardiovascular Biomedical Research Unit, Royal Brompton & Harefield NHS Foundation Trust
No classification provided. Condition: Familial long QT syndrome. Review status: no classification provided. Collection method: literature only. Allele origin: germline. Not counted in ClinVar's aggregate classification.
Comment: This variant has been reported as associated with Long QT syndrome in the following publications (PMID:16253912). This is a literature report, and does not necessarily reflect the clinical interpretation of the Imperial College / Royal Brompton Cardiovascular Genetics laboratory.

Literature cited by the submitters: PubMed 16253912 (cited by Labcorp Genetics (formerly Invitae), Labcorp and Cardiovascular Biomedical Research Unit, Royal Brompton & Harefield NHS Foundation Trust); PubMed 22581653 (cited by Cardiovascular Biomedical Research Unit, Royal Brompton & Harefield NHS Foundation Trust).

NM_001148.6(ANK2):c.10900G>A (p.Val3634Ile)

Gene: ANK2 (ankyrin 2; plus strand). Cytogenetic location: 4q26.
Variant type: single nucleotide variant.
Coding change: c.10900G>A on transcript NM_001148.6 (MANE Select); coding-DNA position 10900, G replaced by A.
Protein change: p.Val3634Ile; replaces valine 3634 with isoleucine.
Molecular consequence: missense variant.
Genome position (GRCh38, 1-based): chr4:113,365,050, G>A. VCF-style: chr4-113365050-G-A. GRCh37 (hg19) VCF-style: chr4-114286206-G-A.
Other names: c.10900G>A (LRG_327t1); c.4618G>A, p.Val1540Ile (NM_001127493.3); c.4657G>A, p.Val1553Ile (NM_001354225.2); c.4546G>A, p.Val1516Ile (NM_001354228.2, NM_001354258.2); c.4624G>A, p.Val1542Ile (NM_001354230.2); c.4687G>A, p.Val1563Ile (NM_001354231.2, NM_001354242.2); c.4681G>A, p.Val1561Ile (NM_001354232.2); c.4642G>A, p.Val1548Ile (NM_001354235.2, NM_001354246.2, NM_001354265.2); and 36 more; short protein forms V1540I, V3634I, V1487I, V1502I, V1516I, V1542I, V1549I, V1561I.
Identifiers: ClinVar variation 67598 (VCV000067598.5), dbSNP rs143228029, ClinGen allele CA329725.